The following is an entry in ClinVar:

ClinVar aggregate classification (germline): Uncertain significance. Review status: criteria provided, multiple submitters, no conflicts (2 of 4 stars). 2 submissions from 2 submitters: Uncertain significance (2). Last evaluated 2023-05-27.

Conditions:
Charcot-Marie-Tooth disease type 2. Also called: Charcot-Marie-Tooth type 2. Identifiers: Orphanet 64746, MedGen C0270914, MONDO:0018993.

Submissions (2):

Ambry Genetics
Classification: Uncertain significance. Last evaluated: 2023-05-27. Review status: criteria provided, single submitter. Criteria: Ambry Variant Classification Scheme 2023. Collection method: clinical testing. Allele origin: germline.
Comment: The p.S1105F variant (also known as c.3314C>T), located in coding exon 29 of the KIF1B gene, results from a C to T substitution at nucleotide position 3314. The serine at codon 1105 is replaced by phenylalanine, an amino acid with highly dissimilar properties. This amino acid position is conserved. In addition, this alteration is predicted to be deleterious by in silico analysis. Since supporting evidence is limited at this time, the clinical significance of this alteration remains unclear.

Labcorp Genetics (formerly Invitae), Labcorp
Classification: Uncertain significance for Charcot-Marie-Tooth disease type 2. Last evaluated: 2022-12-21. Review status: criteria provided, single submitter. Criteria: Invitae Variant Classification Sherloc (09022015). Collection method: clinical testing. Allele origin: germline.
Comment: In summary, the available evidence is currently insufficient to determine the role of this variant in disease. Therefore, it has been classified as a Variant of Uncertain Significance. Algorithms developed to predict the effect of missense changes on protein structure and function are either unavailable or do not agree on the potential impact of this missense change (SIFT: "Deleterious"; PolyPhen-2: "Probably Damaging"; Align-GVGD: "Class C0"). This variant has not been reported in the literature in individuals affected with KIF1B-related conditions. This variant is not present in population databases (gnomAD no frequency). This sequence change replaces serine, which is neutral and polar, with phenylalanine, which is neutral and non-polar, at codon 1105 of the KIF1B protein (p.Ser1105Phe).

NM_001365951.3(KIF1B):c.3452C>T (p.Ser1151Phe)

Gene: KIF1B (kinesin family member 1B; plus strand). Cytogenetic location: 1p36.22.
Variant type: single nucleotide variant.
Coding change: c.3452C>T on transcript NM_001365951.3 (MANE Select); coding-DNA position 3452, C replaced by T.
Protein change: p.Ser1151Phe; replaces serine 1151 with phenylalanine.
Molecular consequence: missense variant.
Genome position (GRCh38, 1-based): chr1:10,339,798, C>T. VCF-style: chr1-10339798-C-T. GRCh37 (hg19) VCF-style: chr1-10399856-C-T.
Other names: c.3452C>T, p.Ser1151Phe (NM_001365952.1); c.3314C>T, p.Ser1105Phe (NM_015074.3); short protein forms S1105F, S1151F.
Identifiers: ClinVar variation 2563648 (VCV002563648.5), dbSNP rs2521737844, ClinGen allele CA338340997.